The following is an entry in ClinVar:

ClinVar aggregate classification (germline): Uncertain significance (1 of 4 stars; one submission).

Conditions:
Cardiovascular phenotype. Identifiers: MedGen CN230736.

Allele frequency attached by ClinVar (database versions not stated): gnomAD exomes below 0.00001; ExAC 0.00001.
gnomAD v4.1: 2 of 1,613,850 alleles (0.00012%); highest among the groups gnomAD compares: Non-Finnish European, 0.00017%; no homozygotes.

Submission:

Ambry Genetics
Classification: Uncertain significance for Cardiovascular phenotype. Last evaluated: 2022-12-23. Review status: criteria provided, single submitter. Criteria: Ambry Variant Classification Scheme 2023. Collection method: clinical testing. Allele origin: germline.
Comment: The p.S1947P variant (also known as c.5839T>C), located in coding exon 46 of the CACNA1C gene, results from a T to C substitution at nucleotide position 5839. The serine at codon 1947 is replaced by proline, an amino acid with similar properties. This amino acid position is poorly conserved in available vertebrate species. In addition, this alteration is predicted to be tolerated by in silico analysis. Since supporting evidence is limited at this time, the clinical significance of this alteration remains unclear.

NM_000719.7(CACNA1C):c.5839T>C (p.Ser1947Pro)

Genes: CACNA1C-AS1 (CACNA1C antisense RNA 1; minus strand), CACNA1C (calcium voltage-gated channel subunit alpha1 C; plus strand). Cytogenetic location: 12p13.33.
Variant type: single nucleotide variant.
Coding change: c.5839T>C on transcript NM_000719.7 (MANE Select); coding-DNA position 5839, T replaced by C.
Protein change: p.Ser1947Pro; replaces serine 1947 with proline.
Molecular consequence: missense variant.
Genome position (GRCh38, 1-based): chr12:2,688,501, T>C. VCF-style: chr12-2688501-T-C. GRCh37 (hg19) VCF-style: chr12-2797667-T-C.
Other names: c.5983T>C, p.Ser1995Pro (NM_001129827.2); c.5962T>C, p.Ser1988Pro (NM_001129829.2); c.5944T>C, p.Ser1982Pro (NM_001129830.3, NM_001167624.3); c.5923T>C, p.Ser1975Pro (NM_001129831.2); c.5899T>C, p.Ser1967Pro (NM_001129832.2); c.5896T>C, p.Ser1966Pro (NM_001129833.2, NM_001129834.2, NM_001129835.2); c.5890T>C, p.Ser1964Pro (NM_001129836.2); c.5863T>C, p.Ser1955Pro (NM_001129837.2, NM_001129838.2); and 6 more; short protein forms S1975P, S1988P, S2007P, S1936P, S1947P, S1966P, S1982P, S1944P.
Identifiers: ClinVar variation 2452664 (VCV002452664.2), dbSNP rs777110078, ClinGen allele CA6390005.